The following is an entry in ClinVar:

NM_001048174.2(MUTYH):c.323T>C (p.Met108Thr)

Gene: MUTYH (mutY DNA glycosylase; minus strand). Cytogenetic location: 1p34.1.
Variant type: single nucleotide variant.
Coding change: c.323T>C on transcript NM_001048174.2 (MANE Select); coding-DNA position 323, T replaced by C.
Protein change: p.Met108Thr; replaces methionine 108 with threonine.
Molecular consequence: missense variant. On other transcripts: non-coding transcript variant (1), intron variant (2).
Genome position (GRCh38, 1-based): chr1:45,333,152, A>G on the plus strand (T>C on the coding strand, the complement: MUTYH is on the minus strand). VCF-style: chr1-45333152-A-G. GRCh37 (hg19) VCF-style: chr1-45798824-A-G.
Other names: c.323T>C, p.Met108Thr (NM_001048171.2, NM_001048173.2, NM_001293195.2 and 6 more transcripts); c.326T>C, p.Met109Thr (NM_001048172.2, NM_001407071.1, NM_001407078.1 and 2 more transcripts); c.407T>C, p.Met136Thr (NM_001128425.2); c.368T>C, p.Met123Thr (NM_001293190.2); c.356T>C, p.Met119Thr (NM_001293191.2, NM_001407077.1); c.47T>C, p.Met16Thr (NM_001293192.2, NM_001293196.2, NM_001407091.1); c.398T>C, p.Met133Thr (NM_001407069.1, NM_012222.3); c.365T>C, p.Met122Thr (NM_001407073.1, NM_001407083.1, NM_001407085.1); and 3 more; short protein forms M119T, M122T, M123T, M108T, M109T, M133T, M16T, M136T.
Identifiers: ClinVar variation 1737621 (VCV001737621.6), dbSNP rs770153763, ClinGen allele CA057759.

ClinVar aggregate classification (germline): Conflicting classifications of pathogenicity. Review status: criteria provided, conflicting classifications (1 of 4 stars). 4 submissions from 4 submitters: Likely pathogenic (2); Uncertain significance (2). Last evaluated 2025-06-27.

Conditions:
Familial adenomatous polyposis 2. Also called: COLORECTAL ADENOMATOUS POLYPOSIS, AUTOSOMAL RECESSIVE; ADENOMAS, MULTIPLE COLORECTAL, AUTOSOMAL RECESSIVE; MUTYH Polyposis; MYH-associated polyposis; MUTYH-associated polyposis; MUTYH-related attenuated familial adenomatous polyposis. Identifiers: Orphanet 220460, Orphanet 247798, MedGen C3272841, MONDO:0012041, OMIM 608456.
Hereditary cancer-predisposing syndrome. Also called: Hereditary Cancer Syndrome; Hereditary neoplastic syndrome; Neoplastic Syndromes, Hereditary; Tumor predisposition. Identifiers: Orphanet 140162, MedGen C0027672, MeSH D009386, MONDO:0015356.

Allele frequency attached by ClinVar (database versions not stated): ExAC 0.00001.

Submissions (4):

Myriad Genetics, Inc.
Classification: Likely pathogenic for Familial adenomatous polyposis 2. Last evaluated: 2025-06-27. Review status: criteria provided, single submitter. Criteria: Myriad Autosomal Dominant, Autosomal Recessive and X-Linked Classification Criteria (2023). Collection method: clinical testing. Allele origin: unknown.
Comment: This variant is considered likely pathogenic. This variant has been reported in trans in multiple individuals with clinical features of gene-specific disease [Myriad internal data]. This variant is expected to disrupt protein structure [Myriad internal data].

Labcorp Genetics (formerly Invitae), Labcorp
Classification: Uncertain significance for Familial adenomatous polyposis 2. Last evaluated: 2024-12-19. Review status: criteria provided, single submitter. Criteria: Invitae Variant Classification Sherloc (09022015). Collection method: clinical testing. Allele origin: germline.
Comment: This sequence change replaces methionine, which is neutral and non-polar, with threonine, which is neutral and polar, at codon 136 of the MUTYH protein (p.Met136Thr). This variant is present in population databases (rs770153763, gnomAD 0.003%). This variant has not been reported in the literature in individuals affected with MUTYH-related conditions. ClinVar contains an entry for this variant (Variation ID: 1737621). An algorithm developed to predict the effect of missense changes on protein structure and function (PolyPhen-2) suggests that this variant is likely to be disruptive. In summary, the available evidence is currently insufficient to determine the role of this variant in disease. Therefore, it has been classified as a Variant of Uncertain Significance.

Ambry Genetics
Classification: Likely pathogenic for Hereditary cancer-predisposing syndrome. Last evaluated: 2024-03-25. Review status: criteria provided, single submitter. Criteria: Ambry Variant Classification Scheme 2023. Collection method: clinical testing. Allele origin: germline.
Comment: The p.M136T variant (also known as c.407T>C), located in coding exon 5 of the MUTYH gene, results from a T to C substitution at nucleotide position 407. The methionine at codon 136 is replaced by threonine, an amino acid with similar properties. Based on internal structural analysis, p.M136T is moderately destabilizing to the local structure and is more destabilizing than several other missense likely pathogenic alterations in the same region (Ambry internal data). This amino acid position is highly conserved in available vertebrate species. In addition, this alteration is predicted to be deleterious by in silico analysis. Based on the majority of available evidence to date, this variant is likely to be pathogenic.

Blueprint Genetics
Classification: Uncertain significance. Last evaluated: 2023-03-15. Review status: criteria provided, single submitter. Criteria: ACMG Guidelines, 2015. Collection method: clinical testing. Allele origin: germline.